The following is an entry in ClinVar:

ClinVar aggregate classification (germline): Uncertain significance (1 of 4 stars; one submission).

Conditions:
Early Myoclonic Encephalopathy. Identifiers: MedGen C0270855.

Allele frequency attached by ClinVar (database versions not stated): gnomAD exomes 0.00001 and 0.00002; gnomAD 0.00003 and 0.00002; TOPMed 0.00002; ExAC 0.00002; ESP Exome Variant Server 0.00008.
gnomAD v4.1: 12 of 1,613,810 alleles (0.00074%); highest among the groups gnomAD compares: Admixed American, 0.0017%; no homozygotes.

Submission:

Labcorp Genetics (formerly Invitae), Labcorp
Classification: Uncertain significance for Early Myoclonic Encephalopathy. Last evaluated: 2025-10-02. Review status: criteria provided, single submitter. Criteria: Invitae Variant Classification Sherloc (09022015). Collection method: clinical testing. Allele origin: germline.
Comment: This sequence change replaces isoleucine, which is neutral and non-polar, with valine, which is neutral and non-polar, at codon 216 of the KCND2 protein (p.Ile216Val). This variant is present in population databases (rs373390097, gnomAD 0.004%). This variant has not been reported in the literature in individuals affected with KCND2-related conditions. ClinVar contains an entry for this variant (Variation ID: 652645). Invitae Evidence Modeling of protein sequence and biophysical properties (such as structural, functional, and spatial information, amino acid conservation, physicochemical variation, residue mobility, and thermodynamic stability) indicates that this missense variant is not expected to disrupt KCND2 protein function with a negative predictive value of 95%. In summary, the available evidence is currently insufficient to determine the role of this variant in disease. Therefore, it has been classified as a Variant of Uncertain Significance.

NM_012281.3(KCND2):c.646A>G (p.Ile216Val)

Gene: KCND2 (potassium voltage-gated channel subfamily D member 2; plus strand). Cytogenetic location: 7q31.31.
Variant type: single nucleotide variant.
Coding change: c.646A>G on transcript NM_012281.3 (MANE Select); coding-DNA position 646, A replaced by G.
Protein change: p.Ile216Val; replaces isoleucine 216 with valine.
Molecular consequence: missense variant.
Genome position (GRCh38, 1-based): chr7:120,275,278, A>G. VCF-style: chr7-120275278-A-G. GRCh37 (hg19) VCF-style: chr7-119915332-A-G.
Other names: short protein forms I216V.
Identifiers: ClinVar variation 652645 (VCV000652645.8), dbSNP rs373390097, ClinGen allele CA4453525.